The following is an entry in ClinVar:

NM_001793.6(CDH3):c.2342A>T (p.Asp781Val)

Gene: CDH3 (cadherin 3; plus strand). Cytogenetic location: 16q22.1.
Variant type: single nucleotide variant.
Coding change: c.2342A>T on transcript NM_001793.6 (MANE Select); coding-DNA position 2342, A replaced by T.
Protein change: p.Asp781Val; replaces aspartic acid 781 with valine.
Molecular consequence: missense variant. On other transcripts: 3 prime UTR variant (1).
Genome position (GRCh38, 1-based): chr16:68,698,252, A>T. VCF-style: chr16-68698252-A-T. GRCh37 (hg19) VCF-style: chr16-68732155-A-T.
Other names: c.*85A>T (NM_001317195.3); c.2177A>T, p.Asp726Val (NM_001317196.2); short protein forms D726V, D781V.
Identifiers: ClinVar variation 959221 (VCV000959221.8), dbSNP rs1961798599, ClinGen allele CA396456749.

ClinVar aggregate classification (germline): Uncertain significance (1 of 4 stars; one submission).

Submission:

Labcorp Genetics (formerly Invitae), Labcorp
Classification: Uncertain significance. Last evaluated: 2019-07-24. Review status: criteria provided, single submitter. Criteria: Invitae Variant Classification Sherloc (09022015). Collection method: clinical testing. Allele origin: germline.
Comment: This sequence change replaces aspargine with valine at codon 781 of the CDH3 protein (p.Asp781Val). The asparagine residue is highly conserved and there is a large physicochemical difference between asparagine and valine. This variant is not present in population databases (ExAC no frequency). This variant has not been reported in the literature in individuals with CDH3-related conditions. Algorithms developed to predict the effect of missense changes on protein structure and function are either unavailable or do not agree on the potential impact of this missense change (SIFT: "Deleterious"; PolyPhen-2: "Probably Damaging"; Align-GVGD: "Class C15"). In summary, the available evidence is currently insufficient to determine the role of this variant in disease. Therefore, it has been classified as a Variant of Uncertain Significance.